The following is an entry in ClinVar:

NM_002471.4(MYH6):c.3265A>G (p.Ile1089Val)

Gene: MYH6 (myosin heavy chain 6; minus strand). Cytogenetic location: 14q11.2.
Variant type: single nucleotide variant.
Coding change: c.3265A>G on transcript NM_002471.4 (MANE Select); coding-DNA position 3265, A replaced by G.
Protein change: p.Ile1089Val; replaces isoleucine 1089 with valine.
Molecular consequence: missense variant.
Genome position (GRCh38, 1-based): chr14:23,392,639, T>C on the plus strand (A>G on the coding strand, the complement: MYH6 is on the minus strand). VCF-style: chr14-23392639-T-C. GRCh37 (hg19) VCF-style: chr14-23861848-T-C.
Other names: short protein forms I1089V.
Identifiers: ClinVar variation 3371677 (VCV003371677.1).

ClinVar aggregate classification (germline): Uncertain significance (1 of 4 stars; one submission).

Submission:

GeneDx
Classification: Uncertain significance. Last evaluated: 2024-03-28. Review status: criteria provided, single submitter. Criteria: GeneDx Variant Classification Process June 2021. Collection method: clinical testing. Allele origin: germline. Affected: yes.
Comment: Not observed at significant frequency in large population cohorts (gnomAD); In silico analysis supports that this missense variant does not alter protein structure/function; Has not been previously published as pathogenic or benign to our knowledge